The following is an entry in ClinVar:

NC_000019.9:g.(?_7112275)_(7123001_7125293)dup

Gene: INSR (insulin receptor; minus strand). Cytogenetic location: 19p13.2.
Variant type: Duplication.
Identifiers: ClinVar variation 2682203 (VCV002682203.1).

ClinVar aggregate classification (germline): Uncertain significance (1 of 4 stars; one submission).

Submission:

Women's Health and Genetics/Laboratory Corporation of America, LabCorp
Classification: Uncertain significance. Last evaluated: 2023-11-21. Review status: criteria provided, single submitter. Criteria: LabCorp Variant Classification Summary - May 2015. Collection method: clinical testing. Allele origin: germline.
Comment: Variant summary: The variant involves the duplication of exons 18-22, which includes the last exon, of the INSR gene. A presumed nomenclature of c.(3258+1_3259-1)_(*4792_?)dup has been designated for the purposes of this classification. The exact breakpoint at the 3' end of this variant is unknown, therefore this duplication may extend downstream of the annotated region of the gene. As it duplicates the termination codon, its effect on the encoded protein is unknown. A large duplication (~174 kpb) that encompasses exons 18-22 of the INSR gene, and extends ~160 kbp downstream of the gene to include the duplication of several other genes, was found at a frequency of 0.001 in 21,692 control chromosomes (i.e. 22 heterozygotes) in the gnomAD database, structural variants dataset. Furthermore, another large duplication (~48 kbp) that includes the duplication of exons 18-22 and extends at least ~37 kbp downstream of the INSR gene and affects another gene (i.e. ZNF557) has been reported in 116 / 464,291 alleles in the gnomAD database, CNVs v4.0 dataset (zygosities were not specified). The available data on variant occurrences in the general population are insufficient to allow clear conclusions about variant significance, however the great number of (heterozygous) occurrences suggest that such large duplication variants are not causal for a penetrant, severe, early onset dominant condition. To our knowledge, no occurrence of c.(3258+1_3259-1)_(*4792_?)dup in individuals affected with Familial Hyperinsulinemic Hypoglycemia and no experimental evidence demonstrating its impact on protein function have been reported. One submitter has cited a clinical-significance assessment for this variant to ClinVar after 2014 and has classified the variant as uncertain significance. Based on the evidence outlined above, duplication variants including a large DNA segment downstream of the gene might result in regular transcription- and translation termination with an unaffected protein product, however shorter tandem duplication variants involving the last exon can affect cis-regulatory elements in the 3' UTR, which might be associated with disease (PMID 35850704), therefore the variant was classified as uncertain significance.